The following is an entry in ClinVar:

NM_000069.3(CACNA1S):c.3905G>A (p.Arg1302Gln)

Gene: CACNA1S (calcium voltage-gated channel subunit alpha1 S; minus strand). Cytogenetic location: 1q32.1.
Variant type: single nucleotide variant.
Coding change: c.3905G>A on transcript NM_000069.3 (MANE Select); coding-DNA position 3905, G replaced by A.
Protein change: p.Arg1302Gln; replaces arginine 1302 with glutamine.
Molecular consequence: missense variant.
Genome position (GRCh38, 1-based): chr1:201,052,605, C>T on the plus strand (G>A on the coding strand, the complement: CACNA1S is on the minus strand). VCF-style: chr1-201052605-C-T. GRCh37 (hg19) VCF-style: chr1-201021733-C-T.
Other names: short protein forms R1302Q.
Identifiers: ClinVar variation 969194 (VCV000969194.20), dbSNP rs200042281, ClinGen allele CA082930.

ClinVar aggregate classification (germline): Uncertain significance. Review status: criteria provided, multiple submitters, no conflicts (2 of 4 stars). 11 submissions from 8 submitters: Uncertain significance (11). Last evaluated 2025-07-24.

Conditions:
CACNA1S-related disorder. Also called: CACNA1S-related condition.
Congenital myopathy 18. Also called: Myopathy, congenital, due to dihydropyridine receptor defect; DIHYDROPYRIDINE RECEPTOR CONGENITAL MYOPATHY; DHPR CONGENITAL MYOPATHY. Identifiers: MedGen C5830283, MONDO:0859514, OMIM 620246.
Hypokalemic periodic paralysis, type 1. Also called: HypoPP; Hypokalemic Periodic Paralysis Type 1 (AD). Identifiers: Orphanet 681, MedGen C3714580, MONDO:0042979, OMIM 170400.
Malignant hyperthermia, susceptibility to, 5 (MHS5). Also called: CACNA1S-Related Malignant Hyperthermia Susceptibility. Identifiers: Orphanet 423, MedGen C1866077, MONDO:0011163, OMIM 601887.
Thyrotoxic periodic paralysis, susceptibility to, 1 (TTPP1). Identifiers: Orphanet 79102, MedGen C2749982, MONDO:0008570, OMIM 188580.

Allele frequency attached by ClinVar (database versions not stated): ESP Exome Variant Server 0.00008; gnomAD exomes 0.00009 and 0.00010; ExAC 0.00011; gnomAD 0.00011; TOPMed 0.00011; 1000 Genomes Project 0.00020; 1000 Genomes Project 30x 0.00031.
gnomAD v4.1: 159 of 1,613,878 alleles (0.0099%); highest among the groups gnomAD compares: Middle Eastern, 0.033%; no homozygotes.

Submissions (11):

PreventionGenetics, part of Exact Sciences
Classification: Uncertain significance for CACNA1S-related condition. Last evaluated: 2025-07-24. Review status: criteria provided, single submitter. Criteria: ACMG Guidelines, 2015. Collection method: clinical testing. Allele origin: germline.
Comment: The CACNA1S c.3905G>A variant is predicted to result in the amino acid substitution p.Arg1302Gln. This variant was reported as a variant of uncertain significance in an individual with primary periodic paralysis (Zhao et al. 2024. PubMed ID: 38609989). This variant is reported in 0.012% of alleles in individuals of European (Non-Finnish) descent in gnomAD. At this time, the clinical significance of this variant is uncertain due to the absence of conclusive functional and genetic evidence.

Labcorp Genetics (formerly Invitae), Labcorp
Classification: Uncertain significance for Hypokalemic periodic paralysis, type 1; Malignant hyperthermia, susceptibility to, 5. Last evaluated: 2024-11-30. Review status: criteria provided, single submitter. Criteria: Invitae Variant Classification Sherloc (09022015). Collection method: clinical testing. Allele origin: germline.
Comment: This sequence change replaces arginine, which is basic and polar, with glutamine, which is neutral and polar, at codon 1302 of the CACNA1S protein (p.Arg1302Gln). The frequency data for this variant in the population databases is considered unreliable, as metrics indicate poor data quality at this position in the gnomAD database. This variant has not been reported in the literature in individuals affected with CACNA1S-related conditions. ClinVar contains an entry for this variant (Variation ID: 969194). Invitae Evidence Modeling of protein sequence and biophysical properties (such as structural, functional, and spatial information, amino acid conservation, physicochemical variation, residue mobility, and thermodynamic stability) has been performed for this missense variant. However, the output from this modeling did not meet the statistical confidence thresholds required to predict the impact of this variant on CACNA1S protein function. In summary, the available evidence is currently insufficient to determine the role of this variant in disease. Therefore, it has been classified as a Variant of Uncertain Significance.

All of Us Research Program, National Institutes of Health
Classification: Uncertain significance for Malignant hyperthermia, susceptibility to, 5. Last evaluated: 2024-09-23. Review status: criteria provided, single submitter. Criteria: ACMG Guidelines, 2015. Collection method: clinical testing. Allele origin: germline. Inheritance: Autosomal dominant inheritance. Observed: 43 variant alleles, 43 heterozygotes.
Comment: This missense variant replaces arginine with glutamine at codon 1302 of the CACNA1S protein. Computational prediction suggests that this variant may have deleterious impact on protein structure and function (internally defined REVEL score threshold >= 0.7, PMID: 27666373). To our knowledge, functional studies have not been reported for this variant. This variant has not been reported in individuals affected with malignant hyperthermia in the literature. This variant has been identified in 24/282834 chromosomes in the general population by the Genome Aggregation Database (gnomAD). The available evidence is insufficient to determine the role of this variant in disease conclusively. Therefore, this variant is classified as a Variant of Uncertain Significance.

This study involves interpretation of variants in research participants for the purpose of population health screening. Participant phenotype was not available at the time of variant classification. Additional details can be found in publication PMID: 35346344, PMCID: PMC8962531

Color Diagnostics, LLC DBA Color Health
Classification: Uncertain significance for Malignant hyperthermia, susceptibility to, 5. Last evaluated: 2024-04-25. Review status: criteria provided, single submitter. Criteria: ACMG Guidelines, 2015. Collection method: clinical testing. Allele origin: germline.
Comment: This missense variant replaces arginine with glutamine at codon 1302 of the CACNA1S protein. Computational prediction suggests that this variant may have deleterious impact on protein structure and function. To our knowledge, functional studies have not been reported for this variant. This variant has been reported in an individual affected with primary periodic paralysis (PMID: 38609989). This variant has been identified in 24/282834 chromosomes in the general population by the Genome Aggregation Database (gnomAD). The available evidence is insufficient to determine the role of this variant in disease conclusively. Therefore, this variant is classified as a Variant of Uncertain Significance.

Fulgent Genetics
Classification: Uncertain significance for Hypokalemic periodic paralysis, type 1; Thyrotoxic periodic paralysis, susceptibility to, 1; Malignant hyperthermia, susceptibility to, 5; Congenital myopathy 18. Last evaluated: 2024-02-28. Review status: criteria provided, single submitter. Criteria: ACMG Guidelines, 2015. Collection method: clinical testing. Allele origin: germline.

Intergen Genetics and Rare Diseases Diagnosis Center
Classification: Uncertain significance for Hypokalemic periodic paralysis, type 1. Last evaluated: 2023-07-21. Review status: criteria provided, single submitter. Criteria: ACMG Guidelines, 2015. Collection method: clinical testing. Allele origin: maternal. Inheritance: Autosomal dominant inheritance. Observed: 1 heterozygote.

Genome-Nilou Lab
Classification: Uncertain significance for Malignant hyperthermia, susceptibility to, 5. Last evaluated: 2023-04-11. Review status: criteria provided, single submitter. Criteria: ACMG Guidelines, 2015. Collection method: clinical testing. Allele origin: germline. Affected: no.

Genome-Nilou Lab
Classification: Uncertain significance for Thyrotoxic periodic paralysis, susceptibility to, 1. Last evaluated: 2023-04-11. Review status: criteria provided, single submitter. Criteria: ACMG Guidelines, 2015. Collection method: clinical testing. Allele origin: germline. Affected: no.

Genome-Nilou Lab
Classification: Uncertain significance for Congenital myopathy 18. Last evaluated: 2023-04-11. Review status: criteria provided, single submitter. Criteria: ACMG Guidelines, 2015. Collection method: clinical testing. Allele origin: germline. Affected: no.

Genome-Nilou Lab
Classification: Uncertain significance for Hypokalemic periodic paralysis, type 1. Last evaluated: 2023-04-11. Review status: criteria provided, single submitter. Criteria: ACMG Guidelines, 2015. Collection method: clinical testing. Allele origin: germline. Affected: no.

Department of Pathology and Laboratory Medicine, Sinai Health System
Classification: Uncertain significance for malignant hyperthermia, susceptibility to, 5. Last evaluated: 2021-07-30. Review status: criteria provided, single submitter. Criteria: ACMG Guidelines, 2015. Collection method: research. Allele origin: germline.

Literature cited by the submitters: PubMed 38609989 (cited by Color Diagnostics, LLC DBA Color Health).